The following is an entry in ClinVar:

NM_017849.4(TMEM127):c.308del (p.Gly103fs)

Gene: TMEM127 (transmembrane protein 127; minus strand). Cytogenetic location: 2q11.2.
Variant type: Deletion.
Coding change: c.308del on transcript NM_017849.4 (MANE Select); coding-DNA position 308, one base deleted (G; older notation c.308delG).
Protein change: p.Gly103fs; shifts the reading frame from glycine 103.
Molecular consequence: frameshift variant.
Genome position (GRCh38, 1-based): chr2:96,254,934, C deleted on the plus strand (G on the coding strand, the reverse complement: TMEM127 is on the minus strand); the first of 3 consecutive C bases (chr2:96,254,934-96,254,936); deleting any one gives the same sequence. VCF-style (leftmost placement, unchanged base first): chr2-96254933-GC-G. GRCh37 (hg19) VCF-style: chr2-96920671-GC-G.
Other names: c.308del, p.Gly103fs (NM_001193304.3); c.308delG (NM_017849.3); short protein forms G103fs.
Identifiers: ClinVar variation 165445 (VCV000165445.6), dbSNP rs727503490, ClinGen allele CA273242.

ClinVar aggregate classification (germline): Pathogenic/Likely pathogenic. Review status: criteria provided, multiple submitters, no conflicts (2 of 4 stars). 2 submissions from 2 submitters: Pathogenic (1); Likely pathogenic (1). Last evaluated 2025-01-15.

Conditions:
Hereditary cancer-predisposing syndrome. Also called: Tumor predisposition; Hereditary neoplastic syndrome; Neoplastic Syndromes, Hereditary; Hereditary Cancer Syndrome. Identifiers: Orphanet 140162, MedGen C0027672, MeSH D009386, MONDO:0015356.
Hereditary pheochromocytoma and paraganglioma. Also called: Hereditary paragangliomas and pheochromocytomas; Hereditary Paraganglioma-Pheochromocytoma Syndromes; Hereditary pheochromocytoma-paraganglioma. Identifiers: Orphanet 29072, MedGen C4274332, MONDO:0017366.

Submissions (2):

Ambry Genetics
Classification: Pathogenic for Hereditary cancer-predisposing syndrome. Last evaluated: 2025-01-15. Review status: criteria provided, single submitter. Criteria: Ambry Variant Classification Scheme 2023. Collection method: clinical testing. Allele origin: germline.
Comment: The c.308delG pathogenic mutation, located in coding exon 2 of the TMEM127 gene, results from a deletion of one nucleotide at nucleotide position 308, causing a translational frameshift with a predicted alternate stop codon (p.G103Afs*21). This alteration has been reported in an individual with pheochromocytomas and renal cell carcinoma (Hernandez KG et al. Virchows Arch, 2015 Jun;466:727-32). This alteration occurs at the 3' terminus of theTMEM127 gene, is not expected to trigger nonsense-mediated mRNA decay, and impacts the last 57% of the protein. However, premature stop codons are typically deleterious in nature, the impacted region is critical for protein function and a significant portion of the protein is affected (Ambry internal data). This variant is considered to be rare based on population cohorts in the Genome Aggregation Database (gnomAD). Based on the supporting evidence, this variant is interpreted as a disease-causing mutation.

Laboratory for Molecular Medicine, Mass General Brigham Personalized Medicine
Classification: Likely pathogenic for Hereditary pheochromocytoma and paraganglioma. Last evaluated: 2016-04-07. Review status: criteria provided, single submitter. Criteria: LMM Criteria. Collection method: clinical testing. Allele origin: germline. Inheritance: Autosomal dominant inheritance. Observed: 6 variant alleles.
Comment: The p.Gly103fs variant in TMEM127 has been identified in 1 individual with pheoc hromocytomas and renal cell carcinoma (Hernandez 2015, LMM data). It has not be en identified in large population studies. This variant is predicted to cause a frameshift, which alters the protein?s amino acid sequence beginning at position 103 and leads to a premature termination codon 21 amino acids downstream. This alteration is then predicted to lead to a truncated or absent protein. Multiple heterozygous variants in TMEM127 leading to a frameshift and predicted truncate d or absent protein have been reported in individuals with pheochromocytomas. In summary, although additional studies are required to fully establish its clinic al significance, the p.Gly103fs variant is likely pathogenic.

Literature cited by the submitters: PubMed 25800244 (cited by Ambry Genetics and Laboratory for Molecular Medicine, Mass General Brigham Personalized Medicine).